The following is an entry in ClinVar:

ClinVar aggregate classification (germline): Uncertain significance (1 of 4 stars; one submission).

Submission:

Labcorp Genetics (formerly Invitae), Labcorp
Classification: Uncertain significance. Last evaluated: 2021-11-29. Review status: criteria provided, single submitter. Criteria: Invitae Variant Classification Sherloc (09022015). Collection method: clinical testing. Allele origin: germline.
Comment: In summary, the available evidence is currently insufficient to determine the role of this variant in disease. Therefore, it has been classified as a Variant of Uncertain Significance. This sequence change replaces proline, which is neutral and non-polar, with leucine, which is neutral and non-polar, at codon 2020 of the POLE protein (p.Pro2020Leu). Algorithms developed to predict the effect of missense changes on protein structure and function (SIFT, PolyPhen-2, Align-GVGD) all suggest that this variant is likely to be tolerated. This variant has not been reported in the literature in individuals affected with POLE-related conditions. This variant is not present in population databases (gnomAD no frequency).

NM_006231.4(POLE):c.6059C>T (p.Pro2020Leu)

Gene: POLE (DNA polymerase epsilon, catalytic subunit; minus strand). Cytogenetic location: 12q24.33.
Variant type: single nucleotide variant.
Coding change: c.6059C>T on transcript NM_006231.4 (MANE Select); coding-DNA position 6059, C replaced by T.
Protein change: p.Pro2020Leu; replaces proline 2020 with leucine.
Molecular consequence: missense variant.
Genome position (GRCh38, 1-based): chr12:132,632,741, G>A on the plus strand (C>T on the coding strand, the complement: POLE is on the minus strand). VCF-style: chr12-132632741-G-A. GRCh37 (hg19) VCF-style: chr12-133209327-G-A.
Other names: short protein forms P2020L.
Identifiers: ClinVar variation 1387048 (VCV001387048.6), dbSNP rs2138464786, ClinGen allele CA387370701.
Genomic context (GRCh38, chr12:132,632,741, plus strand): 5'-GCCCCCTCGGCCTCCTGGGAGAGCTGGCTGGCCCCCCTCCTCCTCACGGGGGTGCTCCCT[G>A]GAGCACTGCGCCTCAGCCCGTCCTTCATGCAGTGGTACACGGCCACGATGTACGCTGTGG-3'
Protein context (NP_006222.2, residues 2010-2030): CMKDGLRRSA[Pro2020Leu]GSTPVRRRGA